The following is an entry in ClinVar:

ClinVar aggregate classification (germline): Uncertain significance (1 of 4 stars; one submission).

Submission:

Women's Health and Genetics/Laboratory Corporation of America, LabCorp
Classification: Uncertain significance. Last evaluated: 2024-04-09. Review status: criteria provided, single submitter. Criteria: LabCorp Variant Classification Summary - May 2015. Collection method: clinical testing. Allele origin: germline.
Comment: Variant summary: TAF13 c.97dupT (p.Ser33PhefsX2) results in a premature termination codon, predicted to cause a truncation of the encoded protein or absence of the protein due to nonsense mediated decay, however the molecular mechanism of disease attributed to TAF13 is currently unknown. The variant allele was found at a frequency of 3.4e-05 in 233776 control chromosomes. The available data on variant occurrences in the general population are insufficient to allow any conclusion about variant significance. To our knowledge, no occurrence of c.97dupT in individuals affected with Intellectual Disability, Autosomal Recessive 60 and no experimental evidence demonstrating its impact on protein function have been reported. No submitters have cited clinical-significance assessments for this variant to ClinVar. Based on the evidence outlined above, the variant was classified as uncertain significance.

NM_005645.4(TAF13):c.97dup (p.Ser33fs)

Gene: TAF13 (TATA-box binding protein associated factor 13; minus strand). Cytogenetic location: 1p13.3.
Variant type: Duplication.
Coding change: c.97dup on transcript NM_005645.4 (MANE Select); coding-DNA position 97, one base duplicated (T; older notation c.97dupT).
Protein change: p.Ser33fs; shifts the reading frame from serine 33.
Molecular consequence: frameshift variant.
Genome position (GRCh38, 1-based): chr1:109,074,996, A duplicated on the plus strand (T on the coding strand, the reverse complement: TAF13 is on the minus strand); the first of 6 consecutive A bases (chr1:109,074,996-109,075,001); duplicating any one gives the same sequence. VCF-style (leftmost placement, unchanged base first): chr1-109074995-G-GA. GRCh37 (hg19) VCF-style: chr1-109617617-G-GA.
Other names: c.97dupT (NM_005645.4); short protein forms S33fs.
Identifiers: ClinVar variation 3251418 (VCV003251418.1), dbSNP rs778508331.
Genomic context (GRCh38, chr1:109,074,995, plus strand): 5'-TGTCCAAAAGTTTTCATCATCTATAACAAAATCATTGTCAAATACTACTTACATTCTTTA[G>GA]AAAAAAGTCTCTTTCTTTTACCCTGTCCACCTTCTGCACCTCCTCCAATTTCTTCATTTT-3'